The following is an entry in ClinVar:

NM_001369.3(DNAH5):c.12734T>C (p.Met4245Thr)

Gene: DNAH5 (dynein axonemal heavy chain 5; minus strand). Cytogenetic location: 5p15.2.
Variant type: single nucleotide variant.
Coding change: c.12734T>C on transcript NM_001369.3 (MANE Select); coding-DNA position 12734, T replaced by C.
Protein change: p.Met4245Thr; replaces methionine 4245 with threonine.
Molecular consequence: missense variant.
Genome position (GRCh38, 1-based): chr5:13,716,662, A>G on the plus strand (T>C on the coding strand, the complement: DNAH5 is on the minus strand). VCF-style: chr5-13716662-A-G. GRCh37 (hg19) VCF-style: chr5-13716771-A-G.
Other names: short protein forms M4245T.
Identifiers: ClinVar variation 351011 (VCV000351011.9), dbSNP rs766597612, ClinGen allele CA3201533.
Genomic context (GRCh38, chr5:13,716,662, plus strand): 5'-TTCAACAATCTCTTATCATAGTCGTCAGTGACTCTGCCTCCATATTGAATCTCTCCTATC[A>G]TGTAGCGGATGGTGGTCCAGGAGACACCCTGGGAAATTTTATAGAATAATTATGTAGAAC-3'
Protein context (NP_001360.1, residues 4235-4255): KGVSWTTIRY[Met4245Thr]IGEIQYGGRV

ClinVar aggregate classification (germline): Uncertain significance. Review status: criteria provided, multiple submitters, no conflicts (2 of 4 stars). 4 submissions from 4 submitters: Uncertain significance (3). 1 of the submissions does not count toward it. Last evaluated 2022-05-03.

Conditions:
Primary ciliary dyskinesia. Also called: Ciliary dyskinesia. Identifiers: Orphanet 244, MedGen C0008780, MONDO:0016575, HP:0012265.
Primary ciliary dyskinesia 3. Identifiers: Orphanet 244, MedGen C1837618, MONDO:0012085, OMIM 608644.

Allele frequency attached by ClinVar (database versions not stated): ExAC 0.00002; gnomAD 0.00002; gnomAD exomes 0.00002 and 0.00011; TOPMed 0.00003.
gnomAD v4.1: 159 of 1,613,528 alleles (0.0099%); highest among the groups gnomAD compares: Non-Finnish European, 0.013%; no homozygotes.

Submissions (4):

Labcorp Genetics (formerly Invitae), Labcorp
Classification: Uncertain significance for Primary ciliary dyskinesia. Last evaluated: 2022-05-03. Review status: criteria provided, single submitter. Criteria: Invitae Variant Classification Sherloc (09022015). Collection method: clinical testing. Allele origin: germline.
Comment: This sequence change replaces methionine, which is neutral and non-polar, with threonine, which is neutral and polar, at codon 4245 of the DNAH5 protein (p.Met4245Thr). This variant is present in population databases (rs766597612, gnomAD 0.004%). This variant has not been reported in the literature in individuals affected with DNAH5-related conditions. ClinVar contains an entry for this variant (Variation ID: 351011). Advanced modeling of protein sequence and biophysical properties (such as structural, functional, and spatial information, amino acid conservation, physicochemical variation, residue mobility, and thermodynamic stability) performed at Invitae indicates that this missense variant is not expected to disrupt DNAH5 protein function. In summary, the available evidence is currently insufficient to determine the role of this variant in disease. Therefore, it has been classified as a Variant of Uncertain Significance.

Illumina Laboratory Services, Illumina
Classification: Uncertain significance for Primary ciliary dyskinesia 3. Last evaluated: 2018-01-13. Review status: criteria provided, single submitter. Criteria: ICSL Variant Classification Criteria 13 December 2019. Collection method: clinical testing. Allele origin: germline.

Ambry Genetics
Classification: Uncertain significance for Primary ciliary dyskinesia. Last evaluated: 2017-06-27. Review status: criteria provided, single submitter. Criteria: Ambry Variant Classification Scheme 2023. Collection method: clinical testing. Allele origin: germline.
Comment: The p.M4245T variant (also known as c.12734T>C), located in coding exon 74 of the DNAH5 gene, results from a T to C substitution at nucleotide position 12734. The methionine at codon 4245 is replaced by threonine, an amino acid with similar properties. This amino acid position is highly conserved in available vertebrate species. In addition, the in silico prediction for this alteration is inconclusive. Since supporting evidence is limited at this time, the clinical significance of this alteration remains unclear.

Natera, Inc.
Classification: Uncertain significance for Primary ciliary dyskinesia. Last evaluated: 2020-09-16. Review status: no assertion criteria provided. Collection method: clinical testing. Allele origin: germline. Not counted in ClinVar's aggregate classification.